The following is an entry in ClinVar:

NM_004174.4(SLC9A3):c.931G>A (p.Ala311Thr)

Gene: SLC9A3 (solute carrier family 9 member A3). Cytogenetic location: 5p15.33.
Variant type: single nucleotide variant.
Coding change: c.931G>A on transcript NM_004174.4 (MANE Select); coding-DNA position 931, G replaced by A.
Protein change: p.Ala311Thr; replaces alanine 311 with threonine.
Molecular consequence: missense variant.
Genome position (GRCh38, 1-based): chr5:484,521, C>T on the plus strand (G>A on the coding strand, the complement: SLC9A3 is on the minus strand). VCF-style: chr5-484521-C-T. GRCh37 (hg19) VCF-style: chr5-484636-C-T.
Other names: c.931G>A, p.Ala311Thr (NM_001284351.3); short protein forms A311T.
Identifiers: ClinVar variation 1345152 (VCV001345152.4), dbSNP rs201704801, ClinGen allele CA3176149.

ClinVar aggregate classification (germline): Conflicting classifications of pathogenicity. Review status: criteria provided, conflicting classifications (1 of 4 stars). 2 submissions from 2 submitters: Uncertain significance (1); Likely benign (1). Last evaluated 2024-09-20.

Conditions:
Congenital secretory sodium diarrhea 8. Identifiers: Orphanet 103908, MedGen C5441928, MONDO:0014808, OMIM 616868.

Allele frequency attached by ClinVar (database versions not stated): gnomAD 0.00007; ESP Exome Variant Server 0.00008; TOPMed 0.00009; ExAC 0.00013; gnomAD exomes 0.00014.
gnomAD v4.1: 79 of 1,612,842 alleles (0.0049%); highest among the groups gnomAD compares: East Asian, 0.047%; no homozygotes.

Submissions (2):

3billion
Classification: Likely benign for Congenital secretory sodium diarrhea 8. Last evaluated: 2024-09-20. Review status: criteria provided, single submitter. Criteria: ACMG Guidelines, 2015. Collection method: clinical testing. Allele origin: germline. Affected: no.
Comment: The homozygous variant was found in patients diagnosed with another variant in a different gene, with no symptoms related to the gene containing the homozygous variant.

Labcorp Genetics (formerly Invitae), Labcorp
Classification: Uncertain significance. Last evaluated: 2022-07-17. Review status: criteria provided, single submitter. Criteria: Invitae Variant Classification Sherloc (09022015). Collection method: clinical testing. Allele origin: germline.
Comment: This sequence change replaces alanine, which is neutral and non-polar, with threonine, which is neutral and polar, at codon 311 of the SLC9A3 protein (p.Ala311Thr). This variant is present in population databases (rs201704801, gnomAD 0.1%). This variant has not been reported in the literature in individuals affected with SLC9A3-related conditions. ClinVar contains an entry for this variant (Variation ID: 1345152). Algorithms developed to predict the effect of missense changes on protein structure and function are either unavailable or do not agree on the potential impact of this missense change (SIFT: "Not Available"; PolyPhen-2: "Probably Damaging"; Align-GVGD: "Not Available"). In summary, the available evidence is currently insufficient to determine the role of this variant in disease. Therefore, it has been classified as a Variant of Uncertain Significance.